The following is an entry in ClinVar:

ClinVar aggregate classification (germline): Uncertain significance (1 of 4 stars; one submission).

Conditions:
Microcephaly, normal intelligence and immunodeficiency (NBS). Also called: BERLIN BREAKAGE SYNDROME; Immunodeficiency, microcephaly with normal intelligence; Ataxia telangiectasia variant V1; SEEMANOVA SYNDROME II; Nijmegen breakage syndrome; Microcephaly with normal intelligence immunodeficiency and lymphoreticular malignancies. Identifiers: Orphanet 647, MedGen C0398791, MONDO:0009623, OMIM 251260.

Submission:

Labcorp Genetics (formerly Invitae), Labcorp
Classification: Uncertain significance for Microcephaly, normal intelligence and immunodeficiency. Last evaluated: 2021-04-21. Review status: criteria provided, single submitter. Criteria: Invitae Variant Classification Sherloc (09022015). Collection method: clinical testing. Allele origin: germline.
Comment: This sequence change replaces glutamic acid with glutamine at codon 259 of the NBN protein (p.Glu259Gln). The glutamic acid residue is weakly conserved and there is a small physicochemical difference between glutamic acid and glutamine. This variant is not present in population databases (ExAC no frequency). This variant has not been reported in the literature in individuals with NBN-related conditions. Algorithms developed to predict the effect of missense changes on protein structure and function (SIFT, PolyPhen-2, Align-GVGD) all suggest that this variant is likely to be tolerated, but these predictions have not been confirmed by published functional studies and their clinical significance is uncertain. In summary, the available evidence is currently insufficient to determine the role of this variant in disease. Therefore, it has been classified as a Variant of Uncertain Significance.

NM_002485.5(NBN):c.775G>C (p.Glu259Gln)

Gene: NBN (nibrin; minus strand). Cytogenetic location: 8q21.3.
Variant type: single nucleotide variant.
Coding change: c.775G>C on transcript NM_002485.5 (MANE Select); coding-DNA position 775, G replaced by C.
Protein change: p.Glu259Gln; replaces glutamic acid 259 with glutamine.
Molecular consequence: missense variant.
Genome position (GRCh38, 1-based): chr8:89,970,485, C>G on the plus strand (G>C on the coding strand, the complement: NBN is on the minus strand). VCF-style: chr8-89970485-C-G. GRCh37 (hg19) VCF-style: chr8-90982713-C-G.
Other names: c.529G>C, p.Glu177Gln (NM_001024688.3); short protein forms E177Q, E259Q.
Identifiers: ClinVar variation 1379458 (VCV001379458.8), dbSNP rs201559159, ClinGen allele CA371658691.
Genomic context (GRCh38, chr8:89,970,485, plus strand): 5'-GTGAGTTTGTTATTCCTGTATCAACAACACACGTTCCCGGAGCCAAAAAGAAATTATGTT[C>G]TTCTTCATTCTCTTCTGTTATCAACCTAGCTTCCCCACCTCCAAAGACAACTGCGGAACT-3'
Protein context (NP_002476.2, residues 249-269): ARLITEENEE[Glu259Gln]HNFFLAPGTC